The following is an entry in ClinVar:

NM_032898.5(CEP19):c.148G>A (p.Glu50Lys)

Gene: CEP19 (centrosomal protein 19; minus strand). Cytogenetic location: 3q29.
Variant type: single nucleotide variant.
Coding change: c.148G>A on transcript NM_032898.5 (MANE Select); coding-DNA position 148, G replaced by A.
Protein change: p.Glu50Lys; replaces glutamic acid 50 with lysine.
Molecular consequence: missense variant.
Genome position (GRCh38, 1-based): chr3:196,707,895, C>T on the plus strand (G>A on the coding strand, the complement: CEP19 is on the minus strand). VCF-style: chr3-196707895-C-T. GRCh37 (hg19) VCF-style: chr3-196434766-C-T.
Other names: c.43G>A, p.Glu15Lys (NM_001379468.1); c.148G>A, p.Glu50Lys (NM_001379469.1, NM_001379470.1); short protein forms E15K, E50K.
Identifiers: ClinVar variation 1052973 (VCV001052973.2), dbSNP rs1711587851, ClinGen allele CA355634651.
Genomic context (GRCh38, chr3:196,707,895, plus strand): 5'-GCTGCCTCAGGGATACTTGTTCTAGGTAACTCTTGTGTCGCGGATTATTCTTTAATTGTT[C>T]AGCAGCTCTGGTGCAATCTGGGAGAGAGAAGAAAACTATATACCACATACGTACCACGTA-3'
Protein context (NP_116287.3, residues 40-60): SKFSDCTRAA[Glu50Lys]QLKNNPRHKS

ClinVar aggregate classification (germline): Uncertain significance (1 of 4 stars; one submission).

Allele frequency attached by ClinVar (database versions not stated): gnomAD exomes below 0.00001; TOPMed below 0.00001.
gnomAD v4.1: 2 of 1,611,024 alleles (0.00012%); highest among the groups gnomAD compares: Non-Finnish European, 0.000085%; no homozygotes.

Submission:

Labcorp Genetics (formerly Invitae), Labcorp
Classification: Uncertain significance. Last evaluated: 2021-08-26. Review status: criteria provided, single submitter. Criteria: Invitae Variant Classification Sherloc (09022015). Collection method: clinical testing. Allele origin: germline.
Comment: This sequence change replaces glutamic acid with lysine at codon 54 of the CEP19 protein (p.Glu54Lys). The glutamic acid residue is highly conserved and there is a small physicochemical difference between glutamic acid and lysine. This variant is not present in population databases (ExAC no frequency). This variant has not been reported in the literature in individuals affected with CEP19-related conditions. Algorithms developed to predict the effect of missense changes on protein structure and function (SIFT, PolyPhen-2, Align-GVGD) all suggest that this variant is likely to be disruptive. In summary, the available evidence is currently insufficient to determine the role of this variant in disease. Therefore, it has been classified as a Variant of Uncertain Significance.